The following is an entry in ClinVar:

NM_025114.4(CEP290):c.3123dup (p.Lys1042Ter)

Gene: CEP290 (centrosomal protein 290; minus strand). Cytogenetic location: 12q21.32.
Variant type: Duplication.
Coding change: c.3123dup on transcript NM_025114.4 (MANE Select); coding-DNA position 3123, one base duplicated (T; older notation c.3123dupT).
Protein change: p.Lys1042Ter; replaces lysine 1042 with a stop codon.
Molecular consequence: nonsense.
Genome position (GRCh38, 1-based): chr12:88,093,956, A duplicated on the plus strand (T on the coding strand, the reverse complement: CEP290 is on the minus strand). VCF-style (leftmost placement, unchanged base first): chr12-88093955-T-TA. GRCh37 (hg19) VCF-style: chr12-88487732-T-TA.
Other names: NM_025114.4(CEP290):c.3123dup; p.Lys1042Ter; c.3123dup (NM_025114.3); c.3123dupT (NM_025114.3); short protein forms K1042*.
Identifiers: ClinVar variation 450915 (VCV000450915.17), dbSNP rs1555212271, ClinGen allele CA658656311.

ClinVar aggregate classification (germline): Pathogenic. Review status: reviewed by expert panel (3 of 4 stars). 8 submissions from 8 submitters: Pathogenic (1). 7 of the submissions do not count toward it. Last evaluated 2026-07-20.

Conditions:
CEP290-related ciliopathy. Also called: CEP290 ciliopathy. Identifiers: MedGen CN305601, MONDO:0100451.
CEP290-related disorder. Also called: CEP290-related disorders; CEP290-related condition. Identifiers: MedGen CN239314.
Nephronophthisis. Also called: Juvenile Nephronophthisis. Identifiers: Orphanet 655, MedGen C0687120, MONDO:0019005, HP:0000090.
Meckel-Gruber syndrome. Also called: GRUBER SYNDROME; Dysencephalia splachnocystica; DYSENCEPHALIA SPLANCHNOCYSTICA. Identifiers: Orphanet 564, MedGen C0265215, MONDO:0018921.
Joubert syndrome. Also called: JOUBERT-BOLTSHAUSER SYNDROME; Familial aplasia of the vermis. Identifiers: Orphanet 475, MedGen C5979921, MONDO:0018772.
Leber congenital amaurosis (LCA). Also called: Leber's amaurosis. Identifiers: Orphanet 65, MedGen C0339527, MeSH D057130, MONDO:0018998.
Bardet-Biedl syndrome 14 (BBS14). Identifiers: Orphanet 110, MedGen C2673874, MONDO:0014442, OMIM 615991.

Allele frequency attached by ClinVar (database versions not stated): gnomAD exomes 0.00002.

Submissions (8):

ClinGen Leber Congenital Amaurosis/early Onset Retinal Dystrophy Variant Curation Expert Panel, ClinGen
Classification: Pathogenic for CEP290-related ciliopathy. Last evaluated: 2026-07-20. Review status: reviewed by expert panel. Criteria: ClinGen LCAeoRD ACMG Specifications CEP290 V1.0.0. Collection method: curation. Allele origin: germline. Inheritance: Autosomal recessive inheritance.
Comment: NM_025114.4(CEP290):c.3123dup (p.Lys1042Ter) is a nonsense variant that introduces a premature stop codon into exon 28 of 54 and is predicted to lead to nonsense-mediated decay in a gene in which loss-of-function is an established mechanism of disease (PVS1). This variant is present in gnomAD v.4.1.1 at a total allele frequency of 0.00001490, with 24 alleles / 1,610,296 total alleles, which is lower than the ClinGen LCA/eoRD VCEP PM2_Supporting threshold of <0.0006 (PM2_Supporting). At least one proband harboring this variant exhibits a diagnosis compatible with early onset severe retinal dystrophy with phenotypes that are sufficiently specific for CEP290-related ciliopathy (total 4 points, VCEP member-provided data, PP4). In summary, this variant meets the criteria to be classified as Pathogenic for CEP290-related ciliopathy based on the ACMG/AMP criteria applied, as specified by the ClinGen LCA/eoRD VCEP: PVS1, PM2_Supporting, and PP4. (LCA/eoRD VCEP Specifications for CEP290 Version 1.0.0)

PreventionGenetics, part of Exact Sciences
Classification: Likely pathogenic for CEP290-related condition. Last evaluated: 2026-03-19. Review status: criteria provided, single submitter. Criteria: ACMG Guidelines, 2015. Collection method: clinical testing. Allele origin: germline. Not counted in ClinVar's aggregate classification.
Comment: The CEP290 c.3123dupT variant is predicted to result in premature protein termination (p.Lys1042*). To our knowledge, this variant has not been reported in the literature or in a large population database (gnomAD), indicating this variant is rare. Nonsense variants in CEP290 are expected to be pathogenic. This variant is interpreted as likely pathogenic.

Natera, Inc.
Classification: Pathogenic for Leber congenital amaurosis. Last evaluated: 2026-01-15. Review status: criteria provided, single submitter. Criteria: Natera Variant Classification Schema (03/2026). Collection method: clinical testing. Allele origin: germline. Not counted in ClinVar's aggregate classification.
Comment: The c.3123dupT variant in CEP290 is a frameshift variant predicted to shift the reading frame and introduce a stop codon. This variant is expected to result in nonsense mediated decay, truncation, or a dysfunctional protein product. This variant is rare in the general population with a frequency below the threshold expected for the associated phenotype(s). This variant has been observed in one or more individuals affected with the associated recessive disease, as either homozygous or compound heterozygous with a second variant (PMID: 38709228). Given the available evidence, this variant is classified as Pathogenic.

Genetic Services Laboratory, University of Chicago
Classification: Likely pathogenic. Last evaluated: 2024-10-11. Review status: criteria provided, single submitter. Criteria: ACMG Guidelines, 2015. Collection method: clinical testing. Allele origin: germline. Affected: yes. Not counted in ClinVar's aggregate classification.
Comment: DNA sequence analysis of the CEP290 gene demonstrated a sequence change, c.3123dup, which results in the creation of a premature stop codon at amino acid position 1042, p.Lys1042*. This sequence change is predicted to result in an abnormal transcript, which may be degraded, or may lead to the production of a truncated CEP290 protein with potentially abnormal function. This sequence change has been described in the gnomAD database with a frequency of 0.0015% (dbSNP rs1555212271). This sequence change has previously not been described in individuals with CEP290-related disorders. Other loss of function variants have been described to be pathogenic (PMID: 16909394, 17345604, 20690115). These collective evidences indicate that this sequence change is pathogenic, however functional studies have not been performed to prove this conclusively.

Labcorp Genetics (formerly Invitae), Labcorp
Classification: Pathogenic for Joubert syndrome; Meckel-Gruber syndrome; Nephronophthisis. Last evaluated: 2024-02-01. Review status: criteria provided, single submitter. Criteria: Invitae Variant Classification Sherloc (09022015). Collection method: clinical testing. Allele origin: germline. Not counted in ClinVar's aggregate classification.
Comment: This sequence change creates a premature translational stop signal (p.Lys1042*) in the CEP290 gene. It is expected to result in an absent or disrupted protein product. Loss-of-function variants in CEP290 are known to be pathogenic (PMID: 16909394, 17345604, 20690115). This variant is not present in population databases (gnomAD no frequency). This variant has not been reported in the literature in individuals affected with CEP290-related conditions. ClinVar contains an entry for this variant (Variation ID: 450915). For these reasons, this variant has been classified as Pathogenic.

Baylor Genetics
Classification: Likely pathogenic for Bardet-Biedl syndrome 14. Last evaluated: 2023-10-02. Review status: criteria provided, single submitter. Criteria: ACMG Guidelines, 2015. Collection method: clinical testing. Allele origin: unknown. Not counted in ClinVar's aggregate classification.

GeneDx
Classification: Pathogenic. Last evaluated: 2023-09-01. Review status: criteria provided, single submitter. Criteria: GeneDx Variant Classification Process June 2021. Collection method: clinical testing. Allele origin: germline. Affected: yes. Not counted in ClinVar's aggregate classification.
Comment: Nonsense variant predicted to result in protein truncation or nonsense mediated decay in a gene for which loss of function is a known mechanism of disease; Not observed at significant frequency in large population cohorts (gnomAD); Has not been previously published as pathogenic or benign to our knowledge

Blueprint Genetics
Classification: Likely pathogenic for CEP290-related disorders. Last evaluated: 2020-03-27. Review status: criteria provided, single submitter. Criteria: ACMG Guidelines, 2015. Collection method: clinical testing. Allele origin: germline. Affected: yes. Observed: 2 variant alleles. Not counted in ClinVar's aggregate classification.

Literature cited by the submitters: PubMed 38709228 (cited by Natera, Inc.); PubMed 16909394 (cited by Labcorp Genetics (formerly Invitae), Labcorp); PubMed 17345604 (cited by Labcorp Genetics (formerly Invitae), Labcorp); PubMed 20690115 (cited by Labcorp Genetics (formerly Invitae), Labcorp).